The following is an entry in ClinVar:

ClinVar aggregate classification (germline): Pathogenic. Review status: criteria provided, single submitter (1 of 4 stars). 2 submissions from 1 submitter: Pathogenic (1). 1 of the submissions does not count toward it. Last evaluated 2023-12-12.

Conditions:
Familial adenomatous polyposis 1 (FAP1). Also called: FAMILIAL ADENOMATOUS POLYPOSIS 1, ATTENUATED; POLYPOSIS, ADENOMATOUS INTESTINAL. Identifiers: MedGen C2713442, MONDO:0021056, OMIM 175100. Disease mechanism: loss of function.

Submissions (2):

Labcorp Genetics (formerly Invitae), Labcorp
Classification: Pathogenic for Familial adenomatous polyposis 1. Last evaluated: 2023-12-12. Review status: criteria provided, single submitter. Criteria: Invitae Variant Classification Sherloc (09022015). Collection method: clinical testing. Allele origin: germline.
Comment: This variant is a gross deletion of the genomic region encompassing the promoter 1B of the APC gene. The 5' end of this event is unknown as it extends beyond the assayed region for this gene, and therefore may encompass additional genes. The 3' boundary is likely confined to the region between promoter 1B and promoter 1A of the APC gene (PMID: 21643010). This variant has been observed in individuals with familial adenomatous polyposis (PMID: 21643010, 23725351, 24946964, 25243319). Studies have shown that this variant alters APC gene expression (PMID: 21643010, 23725351, 25243319). The region of the APC gene that includes the promoter 1B has been determined to be clinically significant (PMID: 21643010, 23725351, 24946964, 25243319, 25941542). Therefore, deletions that encompass that region are likely to be disease-causing. For these reasons, this variant has been classified as Pathogenic.

Labcorp Genetics (formerly Invitae), Labcorp
Classification: Pathogenic for Familial adenomatous polyposis 1. Last evaluated: 2019-12-03. Review status: flagged submission. Criteria: Invitae Variant Classification Sherloc (09022015). Collection method: clinical testing. Allele origin: germline. Not counted in ClinVar's aggregate classification.
Comment: This variant is a gross deletion of the genomic region encompassing the promoter 1B sequences of the APC gene. The 5' end of this event is unknown as it extends beyond the assayed region for this gene, and therefore may encompass additional genes. The 3' boundary is likely confined to the region between promoter 1B and promoter 1A of the APC gene (PMID: 21643010). Gross deletions of the two APC promoter regions are known to be pathogenic. Similar deletions involving only the promoter 1B region have been reported in the literature in several families affected with familial adenomatous polyposis (PMID: 25243319, 21643010, 24946964, 23725351). Allele-specific expression analysis has shown that deletions of the promoter 1B reduced APC mRNA expression in patient-derived samples (PMID: 21643010, 23725351, 25243319). For these reasons, this variant has been classified as Pathogenic.
ClinVar note: Reason: This record appears to be redundant with a more recent record from the same submitter.
ClinVar note: Notes: SCV000581403 appears to be redundant with SCV002245978.

Literature cited by the submitters: PubMed 21643010; PubMed 23725351; PubMed 24946964; PubMed 25243319; PubMed 25941542.

NC_000005.10:g.(?_112707312)_(112707902_?)del

Genes: APC (APC regulator of Wnt signaling pathway; plus strand), LOC129994371 (ATAC-STARR-seq lymphoblastoid active region 22910; plus strand). Cytogenetic location: 5q22.2.
Variant type: Deletion.
Identifiers: ClinVar variation 429040 (VCV000429040.10).